The following is an entry in ClinVar:

ClinVar aggregate classification (germline): Uncertain significance (1 of 4 stars; one submission).

Conditions:
Hereditary diffuse gastric adenocarcinoma (HDGC). Also called: DIFFUSE GASTRIC AND LOBULAR BREAST CANCER SYNDROME. Identifiers: Orphanet 26106, MedGen C1708349, MONDO:0007648, OMIM 137215.

Submission:

Labcorp Genetics (formerly Invitae), Labcorp
Classification: Uncertain significance for Hereditary diffuse gastric adenocarcinoma. Last evaluated: 2025-03-05. Review status: criteria provided, single submitter. Criteria: Invitae Variant Classification Sherloc (09022015). Collection method: clinical testing. Allele origin: germline.
Comment: This sequence change replaces methionine, which is neutral and non-polar, with leucine, which is neutral and non-polar, at codon 316 of the CDH1 protein (p.Met316Leu). This variant is not present in population databases (gnomAD no frequency). This variant has not been reported in the literature in individuals affected with CDH1-related conditions. ClinVar contains an entry for this variant (Variation ID: 862226). An algorithm developed to predict the effect of missense changes on protein structure and function (PolyPhen-2) suggests that this variant is likely to be tolerated. In summary, the available evidence is currently insufficient to determine the role of this variant in disease. Therefore, it has been classified as a Variant of Uncertain Significance.

NM_004360.5(CDH1):c.946A>T (p.Met316Leu)

Gene: CDH1 (cadherin 1; plus strand). Cytogenetic location: 16q22.1.
Variant type: single nucleotide variant.
Coding change: c.946A>T on transcript NM_004360.5 (MANE Select); coding-DNA position 946, A replaced by T.
Protein change: p.Met316Leu; replaces methionine 316 with leucine.
Molecular consequence: missense variant. On other transcripts: 5 prime UTR variant (2).
Genome position (GRCh38, 1-based): chr16:68,811,797, A>T. VCF-style: chr16-68811797-A-T. GRCh37 (hg19) VCF-style: chr16-68845700-A-T.
Other names: c.946A>T, p.Met316Leu (NM_001317184.2); c.-670A>T (NM_001317185.2); c.-874A>T (NM_001317186.2); short protein forms M316L.
Identifiers: ClinVar variation 862226 (VCV000862226.11), dbSNP rs761182866, ClinGen allele CA396459778.